The following is an entry in ClinVar:

NM_005609.4(PYGM):c.475G>A (p.Gly159Arg)

Gene: PYGM (glycogen phosphorylase, muscle associated; minus strand). Cytogenetic location: 11q13.1.
Variant type: single nucleotide variant.
Coding change: c.475G>A on transcript NM_005609.4 (MANE Select); coding-DNA position 475, G replaced by A.
Protein change: p.Gly159Arg; replaces glycine 159 with arginine.
Molecular consequence: missense variant. On other transcripts: intron variant (1).
Genome position (GRCh38, 1-based): chr11:64,758,299, C>T on the plus strand (G>A on the coding strand, the complement: PYGM is on the minus strand). VCF-style: chr11-64758299-C-T. GRCh37 (hg19) VCF-style: chr11-64525771-C-T.
Other names: c.244-33G>A (NM_001164716.1); short protein forms G159R.
Identifiers: ClinVar variation 555738 (VCV000555738.8), dbSNP rs760654579, ClinGen allele CA6080241.

ClinVar aggregate classification (germline): Pathogenic/Likely pathogenic. Review status: criteria provided, multiple submitters, no conflicts (2 of 4 stars). 4 submissions from 4 submitters: Pathogenic (1); Likely pathogenic (2). 1 of the submissions does not count toward it. Last evaluated 2025-08-22.

Conditions:
Glycogen storage disease, type V (GSD5). Also called: MCARDLE DISEASE; MUSCLE GLYCOGEN PHOSPHORYLASE DEFICIENCY; MYOPHOSPHORYLASE DEFICIENCY; PYGM DEFICIENCY; McArdle type glycogen storage disease. Identifiers: Orphanet 368, MedGen C0017924, MONDO:0009293, OMIM 232600.

Allele frequency attached by ClinVar (database versions not stated): gnomAD exomes below 0.00001 and 0.00002; gnomAD 0.00001; ExAC 0.00002; TOPMed 0.00002.
gnomAD v4.1: 8 of 1,614,036 alleles (0.0005%); highest among the groups gnomAD compares: Middle Eastern, 0.016%; no homozygotes.

Submissions (4):

First Genomix Gene Laboratory, Genetic Diagnostics Department
Classification: Likely pathogenic for Glycogen storage disease, type V. Last evaluated: 2025-08-22. Review status: criteria provided, single submitter. Criteria: ACMG Guidelines, 2015. Collection method: clinical testing. Allele origin: germline. Inheritance: Autosomal recessive inheritance. Affected: no. Observed: 1 variant allele.

Labcorp Genetics (formerly Invitae), Labcorp
Classification: Pathogenic for Glycogen storage disease, type V. Last evaluated: 2025-07-02. Review status: criteria provided, single submitter. Criteria: Invitae Variant Classification Sherloc (09022015). Collection method: clinical testing. Allele origin: germline.
Comment: This sequence change replaces glycine, which is neutral and non-polar, with arginine, which is basic and polar, at codon 159 of the PYGM protein (p.Gly159Arg). This variant is present in population databases (rs760654579, gnomAD 0.01%). This missense change has been observed in individual(s) with exercise related rhabdomyolysis and/or McArdle disease (PMID: 16786513; internal data). In at least one individual the data is consistent with being in trans (on the opposite chromosome) from a pathogenic variant. It has also been observed to segregate with disease in related individuals. ClinVar contains an entry for this variant (Variation ID: 555738). Invitae Evidence Modeling of protein sequence and biophysical properties (such as structural, functional, and spatial information, amino acid conservation, physicochemical variation, residue mobility, and thermodynamic stability) indicates that this missense variant is expected to disrupt PYGM protein function with a positive predictive value of 95%. For these reasons, this variant has been classified as Pathogenic.

Women's Health and Genetics/Laboratory Corporation of America, LabCorp
Classification: Likely pathogenic for Glycogen storage disease, type V. Last evaluated: 2025-06-06. Review status: criteria provided, single submitter. Criteria: LabCorp Variant Classification Summary - May 2015. Collection method: clinical testing. Allele origin: germline.
Comment: Variant summary: PYGM c.475G>A (p.Gly159Arg) results in a non-conservative amino acid change in the encoded protein sequence. Algorithms developed to predict the effect of missense changes on protein structure and function all suggest that this variant is likely to be disruptive. The variant allele was found at a frequency of 2e-05 in 251434 control chromosomes. c.475G>A has been observed in individual(s) affected with Glycogen Storage Disease, Type V and related conditions (Bruno_2015, Lin_2023, internal_testing). These data indicate that the variant is likely to be associated with disease. To our knowledge, no experimental evidence demonstrating an impact on protein function has been reported. The following publications have been ascertained in the context of this evaluation (PMID: 16786513, 25914343, 37974208). ClinVar contains an entry for this variant (Variation ID: 555738). Based on the evidence outlined above, the variant was classified as likely pathogenic.

Counsyl
Classification: Uncertain significance for Glycogen storage disease, type V. Last evaluated: 2017-12-28. Review status: no assertion criteria provided. Collection method: clinical testing. Allele origin: unknown. Not counted in ClinVar's aggregate classification.

Literature cited by the submitters: PubMed 16786513 (cited by 3 submitters); PubMed 25914343 (cited by Women's Health and Genetics/Laboratory Corporation of America, LabCorp); PubMed 37974208 (cited by Women's Health and Genetics/Laboratory Corporation of America, LabCorp).